The following is an entry in ClinVar:

NM_000465.4(BARD1):c.531A>G (p.Gln177=)

Gene: BARD1 (BRCA1 associated RING domain 1; minus strand). Cytogenetic location: 2q35.
Variant type: single nucleotide variant.
Coding change: c.531A>G on transcript NM_000465.4 (MANE Select); coding-DNA position 531, A replaced by G.
Protein change: p.Gln177=; no amino-acid change (glutamine 177 retained).
Molecular consequence: synonymous variant. On other transcripts: non-coding transcript variant (2), intron variant (3).
Genome position (GRCh38, 1-based): chr2:214,781,343, T>C on the plus strand (A>G on the coding strand, the complement: BARD1 is on the minus strand). VCF-style: chr2-214781343-T-C. GRCh37 (hg19) VCF-style: chr2-215646067-T-C.
Other names: c.474A>G, p.Gln158= (NM_001282543.2); c.158+28069A>G (NM_001282548.2); c.215+15718A>G (NM_001282545.2); c.364+10954A>G (NM_001282549.2).
Identifiers: ClinVar variation 183813 (VCV000183813.42), dbSNP rs774050888, ClinGen allele CA186583.

ClinVar aggregate classification (germline): Benign/Likely benign. Review status: criteria provided, multiple submitters, no conflicts (2 of 4 stars). 9 submissions from 9 submitters: Benign (2); Likely benign (7). Last evaluated 2026-01-26.

Conditions:
Hereditary cancer-predisposing syndrome. Also called: Tumor predisposition; Neoplastic Syndromes, Hereditary; Hereditary Cancer Syndrome; Hereditary neoplastic syndrome. Identifiers: Orphanet 140162, MedGen C0027672, MeSH D009386, MONDO:0015356.
Familial cancer of breast. Also called: hereditary breast carcinoma; BREAST CANCER, FAMILIAL; Hereditary breast cancer. Identifiers: Orphanet 227535, MedGen C0346153, MONDO:0016419, OMIM 114480. Disease mechanism: loss of function.

Allele frequency attached by ClinVar (database versions not stated): ExAC 0.00002; gnomAD 0.00002; gnomAD exomes 0.00002; TOPMed 0.00002.
gnomAD v4.1: 38 of 1,613,668 alleles (0.0024%); highest among the groups gnomAD compares: Non-Finnish European, 0.0029%; no homozygotes.

Submissions (9):

Labcorp Genetics (formerly Invitae), Labcorp
Classification: Likely benign for Familial cancer of breast. Last evaluated: 2026-01-26. Review status: criteria provided, single submitter. Criteria: Invitae Variant Classification Sherloc (09022015). Collection method: clinical testing. Allele origin: germline.

Myriad Genetics, Inc.
Classification: Benign for Familial cancer of breast. Last evaluated: 2024-07-22. Review status: criteria provided, single submitter. Criteria: Myriad Autosomal Dominant, Autosomal Recessive and X-Linked Classification Criteria (2023). Collection method: clinical testing. Allele origin: unknown.
Comment: This variant is considered benign. This variant is a silent/synonymous amino acid change and it is not expected to impact splicing.

CeGaT Center for Human Genetics Tuebingen
Classification: Likely benign. Last evaluated: 2024-06-01. Review status: criteria provided, single submitter. Criteria: CeGaT Center For Human Genetics Tuebingen Variant Classification Criteria Version 2. Collection method: clinical testing. Allele origin: germline. Affected: yes. Observed: 1 variant allele.
Comment: BARD1: BP4, BP7

KCCC/NGS Laboratory, Kuwait Cancer Control Center
Classification: Likely benign for Familial cancer of breast. Last evaluated: 2023-07-07. Review status: criteria provided, single submitter. Criteria: ACMG Guidelines, 2015. Collection method: clinical testing. Allele origin: germline. Affected: yes.

Blueprint Genetics
Classification: Likely benign. Last evaluated: 2023-02-14. Review status: criteria provided, single submitter. Criteria: ACMG Guidelines, 2015. Collection method: clinical testing. Allele origin: germline.

PreventionGenetics, part of Exact Sciences
Classification: Likely benign. Last evaluated: 2017-01-10. Review status: criteria provided, single submitter. Criteria: ACMG Guidelines, 2015. Collection method: clinical testing. Allele origin: germline.

Color Diagnostics, LLC DBA Color Health
Classification: Likely benign for Hereditary cancer-predisposing syndrome. Last evaluated: 2016-08-01. Review status: criteria provided, single submitter. Criteria: ACMG Guidelines, 2015. Collection method: clinical testing. Allele origin: germline.

GeneDx
Classification: Benign. Last evaluated: 2015-03-03. Review status: criteria provided, single submitter. Criteria: GeneDx Variant Classification Process June 2021. Collection method: clinical testing. Allele origin: germline. Affected: yes.

Ambry Genetics
Classification: Likely benign for Hereditary cancer-predisposing syndrome. Last evaluated: 2014-11-24. Review status: criteria provided, single submitter. Criteria: Ambry Variant Classification Scheme 2023. Collection method: clinical testing. Allele origin: germline.